The following is an entry in ClinVar:

NM_020812.4(DOCK6):c.5062del (p.Glu1688fs)

Genes: DOCK6 (dedicator of cytokinesis 6; minus strand), DOCK6-AS1 (DOCK6 antisense RNA 1; plus strand). Cytogenetic location: 19p13.2.
Variant type: Deletion.
Coding change: c.5062del on transcript NM_020812.4 (MANE Select); coding-DNA position 5062, one base deleted (G; older notation c.5062delG).
Protein change: p.Glu1688fs; shifts the reading frame from glutamic acid 1688.
Molecular consequence: frameshift variant.
Genome position (GRCh38, 1-based): chr19:11,208,712, C deleted on the plus strand (G on the coding strand, the reverse complement: DOCK6 is on the minus strand); the first of 2 consecutive C bases (chr19:11,208,712-11,208,713); deleting either gives the same sequence. VCF-style (leftmost placement, unchanged base first): chr19-11208711-TC-T. GRCh37 (hg19) VCF-style: chr19-11319387-TC-T.
Other names: c.5167del, p.Glu1723fs (NM_001367830.1); short protein forms E1688fs, E1723fs.
Identifiers: ClinVar variation 3382645 (VCV003382645.2).

ClinVar aggregate classification (germline): Likely pathogenic (1 of 4 stars; one submission).

Conditions:
Adams-Oliver syndrome 2 (AOS2). Identifiers: Orphanet 974, MedGen C3280182, MONDO:0013635, OMIM 614219.

Submission:

Juno Genomics, Hangzhou Juno Genomics, Inc
Classification: Likely pathogenic for Adams-Oliver syndrome 2. Review status: criteria provided, single submitter. Criteria: ACMG Guidelines, 2015. Collection method: clinical testing. Allele origin: germline. Affected: yes.
Comment: Absent from controls (or at extremely low frequency if recessive) in Genome Aggregation Database, Exome Sequencing Project, 1000 Genomes Project, or Exome Aggregation Consortium.;Null variant in a gene where loss of function (LOF) is a known mechanism of disease.